The following is an entry in ClinVar:

NM_000142.5(FGFR3):c.382G>A (p.Ala128Thr)

Gene: FGFR3 (fibroblast growth factor receptor 3; plus strand). Cytogenetic location: 4p16.3.
Variant type: single nucleotide variant.
Coding change: c.382G>A on transcript NM_000142.5 (MANE Select); coding-DNA position 382, G replaced by A.
Protein change: p.Ala128Thr; replaces alanine 128 with threonine.
Molecular consequence: missense variant. On other transcripts: non-coding transcript variant (1).
Genome position (GRCh38, 1-based): chr4:1,799,749, G>A. VCF-style: chr4-1799749-G-A. GRCh37 (hg19) VCF-style: chr4-1801476-G-A.
Other names: c.382G>A, p.Ala128Thr (NM_022965.4, NM_001163213.2, NM_001354809.2 and 1 more transcripts); short protein forms A128T.
Identifiers: ClinVar variation 2230263 (VCV002230263.5), dbSNP rs200300532, ClinGen allele CA2809804.

ClinVar aggregate classification (germline): Uncertain significance. Review status: criteria provided, multiple submitters, no conflicts (2 of 4 stars). 2 submissions from 2 submitters: Uncertain significance (2). Last evaluated 2024-05-18.

Conditions:
Inborn genetic diseases. Identifiers: MedGen C0950123, MeSH D030342.

Allele frequency attached by ClinVar (database versions not stated): gnomAD 0.00001; TOPMed 0.00001; ExAC 0.00002; 1000 Genomes Project 30x 0.00016; 1000 Genomes Project 0.00020.
gnomAD v4.1: 16 of 1,612,956 alleles (0.00099%); highest among the groups gnomAD compares: South Asian, 0.0033%; no homozygotes.

Submissions (2):

Labcorp Genetics (formerly Invitae), Labcorp
Classification: Uncertain significance. Last evaluated: 2024-05-18. Review status: criteria provided, single submitter. Criteria: Invitae Variant Classification Sherloc (09022015). Collection method: clinical testing. Allele origin: germline.
Comment: This sequence change replaces alanine, which is neutral and non-polar, with threonine, which is neutral and polar, at codon 128 of the FGFR3 protein (p.Ala128Thr). This variant is present in population databases (rs200300532, gnomAD 0.005%). This variant has not been reported in the literature in individuals affected with FGFR3-related conditions. ClinVar contains an entry for this variant (Variation ID: 2230263). Algorithms developed to predict the effect of missense changes on protein structure and function output the following: SIFT: "Not Available"; PolyPhen-2: "Benign"; Align-GVGD: "Not Available". The threonine amino acid residue is found in multiple mammalian species, which suggests that this missense change does not adversely affect protein function. In summary, the available evidence is currently insufficient to determine the role of this variant in disease. Therefore, it has been classified as a Variant of Uncertain Significance.

Ambry Genetics
Classification: Uncertain significance for Inborn genetic diseases. Last evaluated: 2021-08-09. Review status: criteria provided, single submitter. Criteria: Ambry Variant Classification Scheme 2023. Collection method: clinical testing. Allele origin: germline.